The following is an entry in ClinVar:

NM_003334.4(UBA1):c.678+6G>A

Gene: UBA1 (ubiquitin like modifier activating enzyme 1; plus strand). Cytogenetic location: Xp11.3.
Variant type: single nucleotide variant.
Coding change: c.678+6G>A on transcript NM_003334.4 (MANE Select); 6 bases into the intron after coding-DNA position 678, G replaced by A.
Molecular consequence: intron variant.
Genome position (GRCh38, 1-based): chrX:47,201,372, G>A. VCF-style: chrX-47201372-G-A. GRCh37 (hg19) VCF-style: chrX-47060771-G-A.
Other names: c.678+6G>A (NM_153280.3, NM_003334.3).
Identifiers: ClinVar variation 2023872 (VCV002023872.6), dbSNP rs781818688, ClinGen allele CA10395725.

ClinVar aggregate classification (germline): Uncertain significance. Review status: criteria provided, single submitter (1 of 4 stars). 2 submissions from 2 submitters: Uncertain significance (1). 1 of the submissions does not count toward it. Last evaluated 2024-12-05.

Conditions:
UBA1-related disorder. Also called: UBA1-related condition.
Infantile-onset X-linked spinal muscular atrophy. Also called: AMC, DISTAL, X-LINKED; ARTHROGRYPOSIS, X-LINKED, TYPE I; Spinal muscular atrophy, X-linked 2; Spinal Muscular Atrophy, X-Linked Infantile; SPINAL MUSCULAR ATROPHY, X-LINKED LETHAL INFANTILE. Identifiers: Orphanet 1145, MedGen C1844934, MONDO:0010532, OMIM 301830.

Allele frequency attached by ClinVar (database versions not stated): gnomAD exomes below 0.00001; ExAC 0.00001; gnomAD 0.00001; TOPMed 0.00002.
gnomAD v4.1: 10 of 1,207,790 alleles (0.00083%); highest among the groups gnomAD compares: Non-Finnish European, 0.00056%; no homozygotes.

Submissions (2):

Labcorp Genetics (formerly Invitae), Labcorp
Classification: Uncertain significance for Infantile-onset X-linked spinal muscular atrophy. Last evaluated: 2024-12-05. Review status: criteria provided, single submitter. Criteria: Invitae Variant Classification Sherloc (09022015). Collection method: clinical testing. Allele origin: germline.
Comment: This sequence change falls in intron 7 of the UBA1 gene. It does not directly change the encoded amino acid sequence of the UBA1 protein. It affects a nucleotide within the consensus splice site. This variant is not present in population databases (gnomAD no frequency). This variant has not been reported in the literature in individuals affected with UBA1-related conditions. ClinVar contains an entry for this variant (Variation ID: 2023872). Variants that disrupt the consensus splice site are a relatively common cause of aberrant splicing (PMID: 17576681, 9536098). Algorithms developed to predict the effect of sequence changes on RNA splicing suggest that this variant is not likely to affect RNA splicing. In summary, the available evidence is currently insufficient to determine the role of this variant in disease. Therefore, it has been classified as a Variant of Uncertain Significance.

PreventionGenetics, part of Exact Sciences
Classification: Likely benign for UBA1-related condition. Last evaluated: 2019-05-10. Review status: no assertion criteria provided. Collection method: clinical testing. Allele origin: germline. Not counted in ClinVar's aggregate classification.
Comment: This variant is classified as likely benign based on ACMG/AMP sequence variant interpretation guidelines (Richards et al. 2015 PMID: 25741868, with internal and published modifications).

Literature cited by the submitters: PubMed 17576681 (cited by Labcorp Genetics (formerly Invitae), Labcorp); PubMed 9536098 (cited by Labcorp Genetics (formerly Invitae), Labcorp).